The following is an entry in ClinVar:

NM_000944.5(PPP3CA):c.109A>G (p.Asn37Asp)

Gene: PPP3CA (protein phosphatase 3 catalytic subunit alpha; minus strand). Cytogenetic location: 4q24.
Variant type: single nucleotide variant.
Coding change: c.109A>G on transcript NM_000944.5 (MANE Select); coding-DNA position 109, A replaced by G.
Protein change: p.Asn37Asp; replaces asparagine 37 with aspartic acid.
Molecular consequence: missense variant.
Genome position (GRCh38, 1-based): chr4:101,196,066, T>C on the plus strand (A>G on the coding strand, the complement: PPP3CA is on the minus strand). VCF-style: chr4-101196066-T-C. GRCh37 (hg19) VCF-style: chr4-102117223-T-C.
Other names: c.109A>G, p.Asn37Asp (NM_001130691.2, NM_001130692.2); short protein forms N37D.
Identifiers: ClinVar variation 1411298 (VCV001411298.6), dbSNP rs2110190694, ClinGen allele CA357951043.
Genomic context (GRCh38, chr4:101,196,066, plus strand): 5'-CCAGCCTTCCCTCCTTCATAAGATGCGCCTTTAAGATATCCACACGAGGTTTTCCATCAT[T>C]ATCAAACACTTCTTTTGCTGTAAGCCGGTGACTTGGAGGAAATGGAACAGCTGAAAGAAG-3'
Protein context (NP_000935.1, residues 27-47): HRLTAKEVFD[Asn37Asp]DGKPRVDILK

ClinVar aggregate classification (germline): Uncertain significance (1 of 4 stars; one submission).

Submission:

Labcorp Genetics (formerly Invitae), Labcorp
Classification: Uncertain significance. Last evaluated: 2024-10-24. Review status: criteria provided, single submitter. Criteria: Invitae Variant Classification Sherloc (09022015). Collection method: clinical testing. Allele origin: germline.
Comment: This sequence change replaces asparagine, which is neutral and polar, with aspartic acid, which is acidic and polar, at codon 37 of the PPP3CA protein (p.Asn37Asp). This variant is not present in population databases (gnomAD no frequency). This variant has not been reported in the literature in individuals affected with PPP3CA-related conditions. ClinVar contains an entry for this variant (Variation ID: 1411298). An algorithm developed to predict the effect of missense changes on protein structure and function (PolyPhen-2) suggests that this variant is likely to be tolerated. In summary, the available evidence is currently insufficient to determine the role of this variant in disease. Therefore, it has been classified as a Variant of Uncertain Significance.